The following is an entry in ClinVar:

NM_006206.6(PDGFRA):c.424G>A (p.Asp142Asn)

Gene: PDGFRA (platelet derived growth factor receptor alpha; plus strand). Cytogenetic location: 4q12.
Variant type: single nucleotide variant.
Coding change: c.424G>A on transcript NM_006206.6 (MANE Select); coding-DNA position 424, G replaced by A.
Protein change: p.Asp142Asn; replaces aspartic acid 142 with asparagine.
Molecular consequence: missense variant.
Genome position (GRCh38, 1-based): chr4:54,263,723, G>A. VCF-style: chr4-54263723-G-A. GRCh37 (hg19) VCF-style: chr4-55129890-G-A.
Other names: c.424G>A, p.Asp142Asn (NM_001347827.2, NM_001347829.2); c.499G>A, p.Asp167Asn (NM_001347828.2); c.463G>A, p.Asp155Asn (NM_001347830.2); short protein forms D142N, D155N, D167N.
Identifiers: ClinVar variation 1018304 (VCV001018304.16), dbSNP rs1722875527, ClinGen allele CA356889782.
Genomic context (GRCh38, chr4:54,263,723, plus strand): 5'-ACAGACCCAGATGTAGCCTTTGTACCTCTAGGAATGACGGATTATTTAGTCATCGTGGAG[G>A]ATGATGATTCTGCCATTATACCTTGTCGCACAACTGATCCCGAGACTCCTGTAACCTTAC-3'
Protein context (NP_006197.1, residues 132-152): GMTDYLVIVE[Asp142Asn]DDSAIIPCRT

ClinVar aggregate classification (germline): Uncertain significance (1 of 4 stars; one submission).

Conditions:
Gastrointestinal stromal tumor. Also called: Gastrointestinal stromal tumor, somatic; Gastrointestinal stroma tumor. Identifiers: Orphanet 44890, MedGen C0238198, MeSH D046152, MONDO:0011719, OMIM 606764, HP:0100723.

Allele frequency attached by ClinVar (database versions not stated): gnomAD exomes 0.00001.
gnomAD v4.1: 3 of 1,613,730 alleles (0.00019%); highest among the groups gnomAD compares: Middle Eastern, 0.017%; no homozygotes.

Submission:

Labcorp Genetics (formerly Invitae), Labcorp
Classification: Uncertain significance for Gastrointestinal stromal tumor. Last evaluated: 2025-07-31. Review status: criteria provided, single submitter. Criteria: Invitae Variant Classification Sherloc (09022015). Collection method: clinical testing. Allele origin: germline.
Comment: This sequence change replaces aspartic acid, which is acidic and polar, with asparagine, which is neutral and polar, at codon 142 of the PDGFRA protein (p.Asp142Asn). This variant is not present in population databases (gnomAD no frequency). This variant has not been reported in the literature in individuals affected with PDGFRA-related conditions. ClinVar contains an entry for this variant (Variation ID: 1018304). Invitae Evidence Modeling of protein sequence and biophysical properties (such as structural, functional, and spatial information, amino acid conservation, physicochemical variation, residue mobility, and thermodynamic stability) indicates that this missense variant is not expected to disrupt PDGFRA protein function with a negative predictive value of 80%. In summary, the available evidence is currently insufficient to determine the role of this variant in disease. Therefore, it has been classified as a Variant of Uncertain Significance.